The following is an entry in ClinVar:

ClinVar aggregate classification (germline): Uncertain significance (1 of 4 stars; one submission).

Conditions:
Koolen-de Vries syndrome (KDVS). Identifiers: Orphanet 96169, MedGen C1864871, MONDO:0012496, OMIM 610443.

Submission:

Labcorp Genetics (formerly Invitae), Labcorp
Classification: Uncertain significance for Koolen-de Vries syndrome. Last evaluated: 2023-08-10. Review status: criteria provided, single submitter. Criteria: Invitae Variant Classification Sherloc (09022015). Collection method: clinical testing. Allele origin: germline.
Comment: This sequence change replaces asparagine, which is neutral and polar, with histidine, which is basic and polar, at codon 782 of the KANSL1 protein (p.Asn782His). This variant is not present in population databases (gnomAD no frequency). This variant has not been reported in the literature in individuals affected with KANSL1-related conditions. ClinVar contains an entry for this variant (Variation ID: 2008142). Advanced modeling of protein sequence and biophysical properties (such as structural, functional, and spatial information, amino acid conservation, physicochemical variation, residue mobility, and thermodynamic stability) performed at Invitae indicates that this missense variant is not expected to disrupt KANSL1 protein function. In summary, the available evidence is currently insufficient to determine the role of this variant in disease. Therefore, it has been classified as a Variant of Uncertain Significance.

NM_015443.4(KANSL1):c.2344A>C (p.Asn782His)

Gene: KANSL1 (KAT8 regulatory NSL complex subunit 1). Cytogenetic location: 17q21.31.
Variant type: single nucleotide variant.
Coding change: c.2344A>C on transcript NM_015443.4 (MANE Select); coding-DNA position 2344, A replaced by C.
Protein change: p.Asn782His; replaces asparagine 782 with histidine.
Molecular consequence: missense variant.
Genome position (GRCh38, 1-based): chr17:46,039,075, T>G on the plus strand (A>C on the coding strand, the complement: KANSL1 is on the minus strand). VCF-style: chr17-46039075-T-G. GRCh37 (hg19) VCF-style: chr17-44116441-T-G.
Other names: c.2344A>C, p.Asn782His (NM_001405858.1, NM_001405872.1, NM_001405873.1 and 8 more transcripts); c.2242A>C, p.Asn748His (NM_001405859.1, NM_001405860.1, NM_001405861.1 and 1 more transcripts); c.1078A>C, p.Asn360His (NM_001405882.1, NM_001405883.1); short protein forms N360H, N748H, N782H.
Identifiers: ClinVar variation 2008142 (VCV002008142.4), dbSNP rs761656788, ClinGen allele CA399980952.